The following is an entry in ClinVar:

ClinVar aggregate classification (germline): Uncertain significance (1 of 4 stars; one submission).

Conditions:
Atypical glycine encephalopathy. Also called: Glycine encephalopathy with normal serum glycine. Identifiers: Orphanet 289863, MedGen C4310943, MONDO:0015010, OMIM 617301.

gnomAD v4.1: 1 of 1,613,984 alleles (0.000062%); highest among the groups gnomAD compares: Non-Finnish European, 0.000085%; no homozygotes.

Submission:

Labcorp Genetics (formerly Invitae), Labcorp
Classification: Uncertain significance for Atypical glycine encephalopathy. Last evaluated: 2025-12-03. Review status: criteria provided, single submitter. Criteria: Invitae Variant Classification Sherloc (09022015). Collection method: clinical testing. Allele origin: germline.
Comment: This sequence change replaces glutamine, which is neutral and polar, with proline, which is neutral and non-polar, at codon 681 of the SLC6A9 protein (p.Gln681Pro). This variant is not present in population databases (gnomAD no frequency). This variant has not been reported in the literature in individuals affected with SLC6A9-related conditions. An algorithm developed to predict the effect of missense changes on protein structure and function (PolyPhen-2) suggests that this variant is likely to be tolerated. In summary, the available evidence is currently insufficient to determine the role of this variant in disease. Therefore, it has been classified as a Variant of Uncertain Significance.

NM_001024845.3(SLC6A9):c.1823A>C (p.Gln608Pro)

Gene: SLC6A9 (solute carrier family 6 member 9; minus strand). Cytogenetic location: 1p34.1.
Variant type: single nucleotide variant.
Coding change: c.1823A>C on transcript NM_001024845.3 (MANE Select); coding-DNA position 1823, A replaced by C.
Protein change: p.Gln608Pro; replaces glutamine 608 with proline.
Molecular consequence: missense variant. On other transcripts: non-coding transcript variant (1).
Genome position (GRCh38, 1-based): chr1:43,997,624, T>G on the plus strand (A>C on the coding strand, the complement: SLC6A9 is on the minus strand). VCF-style: chr1-43997624-T-G. GRCh37 (hg19) VCF-style: chr1-44463296-T-G.
Other names: c.1835A>C, p.Gln612Pro (NM_001261380.2); c.1490A>C, p.Gln497Pro (NM_001328626.2); c.1760A>C, p.Gln587Pro (NM_001328627.1); c.1628A>C, p.Gln543Pro (NM_001328628.1); c.1823A>C, p.Gln608Pro (NM_001328629.1); c.1319A>C, p.Gln440Pro (NM_001328630.2); c.1880A>C, p.Gln627Pro (NM_006934.4); c.2042A>C, p.Gln681Pro (NM_201649.4); short protein forms Q543P, Q587P, Q497P, Q608P, Q440P, Q681P, Q612P, Q627P.
Identifiers: ClinVar variation 4697131 (VCV004697131.1).